The following is an entry in ClinVar:

NM_001044385.3(TMEM237):c.355G>A (p.Ala119Thr)

Gene: TMEM237 (transmembrane protein 237; minus strand). Cytogenetic location: 2q33.1.
Variant type: single nucleotide variant.
Coding change: c.355G>A on transcript NM_001044385.3 (MANE Select); coding-DNA position 355, G replaced by A.
Protein change: p.Ala119Thr; replaces alanine 119 with threonine.
Molecular consequence: missense variant.
Genome position (GRCh38, 1-based): chr2:201,633,351, C>T on the plus strand (G>A on the coding strand, the complement: TMEM237 is on the minus strand). VCF-style: chr2-201633351-C-T. GRCh37 (hg19) VCF-style: chr2-202498074-C-T.
Other names: c.331G>A, p.Ala111Thr (NM_152388.4); short protein forms A111T, A119T.
Identifiers: ClinVar variation 1382775 (VCV001382775.6), dbSNP rs2105900828, ClinGen allele CA350313958.

ClinVar aggregate classification (germline): Uncertain significance (1 of 4 stars; one submission).

Conditions:
Joubert syndrome 14 (JBTS14). Identifiers: MedGen C3280766, MONDO:0013745, OMIM 614424.

Submission:

Labcorp Genetics (formerly Invitae), Labcorp
Classification: Uncertain significance for Joubert syndrome 14. Last evaluated: 2021-10-09. Review status: criteria provided, single submitter. Criteria: Invitae Variant Classification Sherloc (09022015). Collection method: clinical testing. Allele origin: germline.
Comment: In summary, the available evidence is currently insufficient to determine the role of this variant in disease. Therefore, it has been classified as a Variant of Uncertain Significance. Algorithms developed to predict the effect of missense changes on protein structure and function output the following: SIFT: "Tolerated"; PolyPhen-2: "Benign"; Align-GVGD: "Class C0". The threonine amino acid residue is found in multiple mammalian species, which suggests that this missense change does not adversely affect protein function. This variant has not been reported in the literature in individuals affected with TMEM237-related conditions. This variant is not present in population databases (ExAC no frequency). This sequence change replaces alanine with threonine at codon 119 of the TMEM237 protein (p.Ala119Thr). The alanine residue is moderately conserved and there is a small physicochemical difference between alanine and threonine.